The following is an entry in ClinVar:

NM_018036.7(ATG2B):c.3210+8T>C

Gene: ATG2B (autophagy related 2B; minus strand). Cytogenetic location: 14q32.2.
Variant type: single nucleotide variant.
Coding change: c.3210+8T>C on transcript NM_018036.7 (MANE Select); 8 bases into the intron after coding-DNA position 3210, T replaced by C.
Molecular consequence: intron variant.
Genome position (GRCh38, 1-based): chr14:96,317,137, A>G on the plus strand (T>C on the coding strand, the complement: ATG2B is on the minus strand). VCF-style: chr14-96317137-A-G. GRCh37 (hg19) VCF-style: chr14-96783474-A-G.
Identifiers: ClinVar variation 1337926 (VCV001337926.4), dbSNP rs2139865288, ClinGen allele CA2573053961.
Genomic context (GRCh38, chr14:96,317,137, plus strand): 5'-ATGTATCCTAGCAGATTTATTTAAAGTAAGATACATTTGAAAAAACACTTCGGATTTGTA[A>G]ACCTCACCTTCACATCTGTGAACACTGCTATTAATCCATGATTAATATTCAGAAGAACTG-3'

ClinVar aggregate classification (germline): Uncertain significance (1 of 4 stars; one submission).

Submission:

Genetic Services Laboratory, University of Chicago
Classification: Uncertain significance. Last evaluated: 2021-05-03. Review status: criteria provided, single submitter. Criteria: ACMG Guidelines, 2015. Collection method: clinical testing. Allele origin: germline. Affected: no.
Comment: DNA sequence analysis of the ATG2B gene demonstrated a sequence change in intron 20, c.3210+8T>C. This sequence change is absent from known population databases (gnomAD). This sequence change is not clearly predicted to have a deleterious effect on splicing based on in silico splice prediction programs. It is possible that this sequence change represents a benign sequence change in the ATG2B gene that has not been identified to date. This change does not appear to have been previously described in patients with ATG2B-related disorders. The functional significance of this sequence change is not known at present and its contribution to this patient's disease phenotype cannot definitively be determined.